The following is an entry in ClinVar:

NM_000065.5(C6):c.194G>T (p.Cys65Phe)

Gene: C6 (complement C6; minus strand). Cytogenetic location: 5p13.1.
Variant type: single nucleotide variant.
Coding change: c.194G>T on transcript NM_000065.5 (MANE Select); coding-DNA position 194, G replaced by T.
Protein change: p.Cys65Phe; replaces cysteine 65 with phenylalanine.
Molecular consequence: missense variant.
Genome position (GRCh38, 1-based): chr5:41,201,664, C>A on the plus strand (G>T on the coding strand, the complement: C6 is on the minus strand). VCF-style: chr5-41201664-C-A. GRCh37 (hg19) VCF-style: chr5-41201766-C-A.
Other names: c.194G>T, p.Cys65Phe (NM_001115131.4); short protein forms C65F.
Identifiers: ClinVar variation 1915714 (VCV001915714.6), dbSNP rs1373816263, ClinGen allele CA359605330.

ClinVar aggregate classification (germline): Uncertain significance. Review status: criteria provided, multiple submitters, no conflicts (2 of 4 stars). 2 submissions from 2 submitters: Uncertain significance (2). Last evaluated 2025-04-10.

Conditions:
Inborn genetic diseases. Identifiers: MedGen C0950123, MeSH D030342.

Allele frequency attached by ClinVar (database versions not stated): gnomAD 0.00001; TOPMed 0.00002.
gnomAD v4.1: 7 of 1,613,468 alleles (0.00043%); highest among the groups gnomAD compares: African/African-American, 0.008%; no homozygotes.

Submissions (2):

Ambry Genetics
Classification: Uncertain significance for Inborn genetic diseases. Last evaluated: 2025-04-10. Review status: criteria provided, single submitter. Criteria: Ambry Variant Classification Scheme 2023. Collection method: clinical testing. Allele origin: germline.

Labcorp Genetics (formerly Invitae), Labcorp
Classification: Uncertain significance. Last evaluated: 2022-01-11. Review status: criteria provided, single submitter. Criteria: Invitae Variant Classification Sherloc (09022015). Collection method: clinical testing. Allele origin: germline.
Comment: This sequence change replaces cysteine, which is neutral and slightly polar, with phenylalanine, which is neutral and non-polar, at codon 65 of the C6 protein (p.Cys65Phe). This variant is present in population databases (no rsID available, gnomAD 0.003%). This variant has not been reported in the literature in individuals affected with C6-related conditions. Algorithms developed to predict the effect of missense changes on protein structure and function are either unavailable or do not agree on the potential impact of this missense change (SIFT: "Deleterious"; PolyPhen-2: "Probably Damaging"; Align-GVGD: "Class C0"). In summary, the available evidence is currently insufficient to determine the role of this variant in disease. Therefore, it has been classified as a Variant of Uncertain Significance.